The following is an entry in ClinVar:

ClinVar aggregate classification (germline): Likely benign. Review status: criteria provided, multiple submitters, no conflicts (2 of 4 stars). 3 submissions from 3 submitters: Likely benign (3). Last evaluated 2025-12-16.

Conditions:
Hypertrophic cardiomyopathy. Also called: HYPERTROPHIC MYOCARDIOPATHY. Identifiers: Orphanet 217569, MedGen C0007194, MeSH D002312, MONDO:0005045, HP:0001639.
Cardiovascular phenotype. Identifiers: MedGen CN230736.

Allele frequency attached by ClinVar (database versions not stated): TOPMed 0.00001.

Submissions (3):

Ambry Genetics
Classification: Likely benign for Cardiovascular phenotype. Last evaluated: 2025-12-16. Review status: criteria provided, single submitter. Criteria: Ambry Variant Classification Scheme 2023. Collection method: clinical testing. Allele origin: germline.

Labcorp Genetics (formerly Invitae), Labcorp
Classification: Likely benign for Hypertrophic cardiomyopathy. Last evaluated: 2025-03-16. Review status: criteria provided, single submitter. Criteria: Invitae Variant Classification Sherloc (09022015). Collection method: clinical testing. Allele origin: germline.

All of Us Research Program, National Institutes of Health
Classification: Likely benign for Hypertrophic cardiomyopathy. Last evaluated: 2023-09-17. Review status: criteria provided, single submitter. Criteria: ACMG Guidelines, 2015. Collection method: clinical testing. Allele origin: germline. Inheritance: Autosomal dominant inheritance. Observed: 1 variant allele, 1 heterozygote.
Comment: This study involves interpretation of variants in research participants for the purpose of population health screening. Participant phenotype was not available at the time of variant classification. Additional details can be found in publication PMID: 35346344, PMCID: PMC8962531

NM_000256.3(MYBPC3):c.1197T>C (p.Asn399=)

Gene: MYBPC3 (myosin binding protein C3; minus strand). Cytogenetic location: 11p11.2.
Variant type: single nucleotide variant.
Coding change: c.1197T>C on transcript NM_000256.3 (MANE Select); coding-DNA position 1197, T replaced by C.
Protein change: p.Asn399=; no amino-acid change (asparagine 399 retained).
Molecular consequence: synonymous variant.
Genome position (GRCh38, 1-based): chr11:47,343,518, A>G on the plus strand (T>C on the coding strand, the complement: MYBPC3 is on the minus strand). VCF-style: chr11-47343518-A-G. GRCh37 (hg19) VCF-style: chr11-47365069-A-G.
Identifiers: ClinVar variation 2153620 (VCV002153620.6), dbSNP rs892610465, ClinGen allele CA221697603.
Genomic context (GRCh38, chr11:47,343,518, plus strand): 5'-CCACCCGAGCCCCCCTCCCCACCCCAGGCTGCACCTGCCGCTCATCTGGATCTCCTGGCC[A>G]TTCTTGAGCCATTTGACCTCAGCGTCATGGTCAGCCAGTTCCACGGTCAGCCGGATCTTG-3'
Protein context (NP_000247.2, residues 389-409): DHDAEVKWLK[Asn399=]GQEIQMSGSK